The following is an entry in ClinVar:

ClinVar aggregate classification (germline): Uncertain significance. Review status: criteria provided, multiple submitters, no conflicts (2 of 4 stars). 2 submissions from 2 submitters: Uncertain significance (2). Last evaluated 2025-02-28.

Conditions:
Cardiovascular phenotype. Identifiers: MedGen CN230736.
Hereditary cancer-predisposing syndrome. Also called: Hereditary neoplastic syndrome; Tumor predisposition; Neoplastic Syndromes, Hereditary; Hereditary Cancer Syndrome. Identifiers: Orphanet 140162, MedGen C0027672, MeSH D009386, MONDO:0015356.
Neurofibromatosis, type 1 (NF1). Also called: Peripheral type neurofibromatosis; Neurofibromatosis, type I; VON RECKLINGHAUSEN DISEASE; NEUROFIBROMATOSIS, TYPE I, SOMATIC. Identifiers: Orphanet 636, MedGen C0027831, MONDO:0018975, OMIM 162200. Disease mechanism: loss of function.

Allele frequency attached by ClinVar (database versions not stated): gnomAD exomes below 0.00001.
gnomAD v4.1: 1 of 1,614,160 alleles (0.000062%); highest among the groups gnomAD compares: Admixed American, 0.0017%; no homozygotes.

Submissions (2):

Labcorp Genetics (formerly Invitae), Labcorp
Classification: Uncertain significance for Neurofibromatosis, type 1. Last evaluated: 2025-02-28. Review status: criteria provided, single submitter. Criteria: Invitae Variant Classification Sherloc (09022015). Collection method: clinical testing. Allele origin: germline.
Comment: This sequence change replaces phenylalanine, which is neutral and non-polar, with leucine, which is neutral and non-polar, at codon 2295 of the NF1 protein (p.Phe2295Leu). This variant is present in population databases (no rsID available, gnomAD 0.003%). This variant has not been reported in the literature in individuals affected with NF1-related conditions. ClinVar contains an entry for this variant (Variation ID: 2452296). Invitae Evidence Modeling of protein sequence and biophysical properties (such as structural, functional, and spatial information, amino acid conservation, physicochemical variation, residue mobility, and thermodynamic stability) indicates that this missense variant is expected to disrupt NF1 protein function with a positive predictive value of 95%. In summary, the available evidence is currently insufficient to determine the role of this variant in disease. Therefore, it has been classified as a Variant of Uncertain Significance.

Ambry Genetics
Classification: Uncertain significance for Cardiovascular phenotype; Hereditary cancer-predisposing syndrome. Last evaluated: 2023-02-06. Review status: criteria provided, single submitter. Criteria: Ambry Variant Classification Scheme 2023. Collection method: clinical testing. Allele origin: germline.
Comment: The p.F2295L variant (also known as c.6883T>C), located in coding exon 46 of the NF1 gene, results from a T to C substitution at nucleotide position 6883. The phenylalanine at codon 2295 is replaced by leucine, an amino acid with highly similar properties. This amino acid position is conserved. In addition, the in silico prediction for this alteration is inconclusive. Since supporting evidence is limited at this time, the clinical significance of this alteration remains unclear.

NM_001042492.3(NF1):c.6946T>C (p.Phe2316Leu)

Gene: NF1 (neurofibromin 1; plus strand). Cytogenetic location: 17q11.2.
Variant type: single nucleotide variant.
Coding change: c.6946T>C on transcript NM_001042492.3 (MANE Select); coding-DNA position 6946, T replaced by C.
Protein change: p.Phe2316Leu; replaces phenylalanine 2316 with leucine.
Molecular consequence: missense variant.
Genome position (GRCh38, 1-based): chr17:31,340,529, T>C. VCF-style: chr17-31340529-T-C. GRCh37 (hg19) VCF-style: chr17-29667547-T-C.
Other names: c.6883T>C, p.Phe2295Leu (NM_000267.4); short protein forms F2295L, F2316L.
Identifiers: ClinVar variation 2452296 (VCV002452296.5), dbSNP rs1421708806, ClinGen allele CA399014892.